The following is an entry in ClinVar:

NM_030665.4(RAI1):c.4666C>T (p.Arg1556Cys)

Gene: RAI1 (retinoic acid induced 1; plus strand). Cytogenetic location: 17p11.2.
Variant type: single nucleotide variant.
Coding change: c.4666C>T on transcript NM_030665.4 (MANE Select); coding-DNA position 4666, C replaced by T.
Protein change: p.Arg1556Cys; replaces arginine 1556 with cysteine.
Molecular consequence: missense variant.
Genome position (GRCh38, 1-based): chr17:17,797,614, C>T. VCF-style: chr17-17797614-C-T. GRCh37 (hg19) VCF-style: chr17-17700928-C-T.
Other names: short protein forms R1556C.
Identifiers: ClinVar variation 4983921 (VCV004983921.1).

ClinVar aggregate classification (germline): Uncertain significance (1 of 4 stars; one submission).

Conditions:
RAI1-related disorder. Also called: RAI1-related condition.

gnomAD v4.1: 4 of 1,613,854 alleles (0.00025%); highest among the groups gnomAD compares: African/African-American, 0.0013%; no homozygotes.

Submission:

PreventionGenetics, part of Exact Sciences
Classification: Uncertain significance for RAI1-related condition. Last evaluated: 2025-11-06. Review status: criteria provided, single submitter. Criteria: ACMG Guidelines, 2015. Collection method: clinical testing. Allele origin: germline.
Comment: The RAI1 c.4666C>T variant is predicted to result in the amino acid substitution p.Arg1556Cys. To our knowledge, this variant has not been reported in the literature or in a large population database (gnomAD), indicating this variant is rare. At this time, the clinical significance of this variant is uncertain due to the absence of conclusive functional and genetic evidence.